The following is an entry in ClinVar:

ClinVar aggregate classification (germline): Uncertain significance (1 of 4 stars; one submission).

Submission:

Labcorp Genetics (formerly Invitae), Labcorp
Classification: Uncertain significance. Last evaluated: 2022-05-03. Review status: criteria provided, single submitter. Criteria: Invitae Variant Classification Sherloc (09022015). Collection method: clinical testing. Allele origin: germline.
Comment: In summary, the available evidence is currently insufficient to determine the role of this variant in disease. Therefore, it has been classified as a Variant of Uncertain Significance. Algorithms developed to predict the effect of missense changes on protein structure and function (SIFT, PolyPhen-2, Align-GVGD) all suggest that this variant is likely to be disruptive. This sequence change replaces valine, which is neutral and non-polar, with aspartic acid, which is acidic and polar, at codon 124 of the DTHD1 protein (p.Val124Asp). This variant is not present in population databases (gnomAD no frequency). This variant has not been reported in the literature in individuals affected with DTHD1-related conditions.

NM_001170700.3(DTHD1):c.1241T>A (p.Val414Asp)

Gene: DTHD1 (death domain containing 1; plus strand). Cytogenetic location: 4p14.
Variant type: single nucleotide variant.
Coding change: c.1241T>A on transcript NM_001170700.3 (MANE Select); coding-DNA position 1241, T replaced by A.
Protein change: p.Val414Asp; replaces valine 414 with aspartic acid.
Molecular consequence: missense variant. On other transcripts: non-coding transcript variant (1), intron variant (1).
Genome position (GRCh38, 1-based): chr4:36,293,548, T>A. VCF-style: chr4-36293548-T-A. GRCh37 (hg19) VCF-style: chr4-36295170-T-A.
Other names: c.371T>A, p.Val124Asp (NM_001136536.5); c.349-41T>A (NM_001378435.1); short protein forms V414D, V124D.
Identifiers: ClinVar variation 1924678 (VCV001924678.5), dbSNP rs1578441043, ClinGen allele CA356679365.
Genomic context (GRCh38, chr4:36,293,548, plus strand): 5'-GTGCTATAGCTTATTTTAATGTTCTTTATTCTATACAGGGGACCTGTGCTTCAGTAAAAG[T>A]TTACAAATTGGGTATCTTTTCTGTTGTGTCTTGTTTAAAGAAAGAGTCGTTCACAGTAAC-3'
Protein context (NP_001164171.2, residues 404-424): GYKGTCASVK[Val414Asp]YKLGIFSVVS